The following is an entry in ClinVar:

NM_001256071.3(RNF213):c.5601G>A (p.Pro1867=)

Gene: RNF213 (ring finger protein 213; plus strand). Cytogenetic location: 17q25.3.
Variant type: single nucleotide variant.
Coding change: c.5601G>A on transcript NM_001256071.3 (MANE Select); coding-DNA position 5601, G replaced by A.
Protein change: p.Pro1867=; no amino-acid change (proline 1867 retained).
Molecular consequence: synonymous variant.
Genome position (GRCh38, 1-based): chr17:80,339,968, G>A. VCF-style: chr17-80339968-G-A. GRCh37 (hg19) VCF-style: chr17-78313768-G-A.
Other names: c.5748G>A, p.Pro1916= (NM_001410195.1, NM_020914.5).
Identifiers: ClinVar variation 2648415 (VCV002648415.25), dbSNP rs571289662, ClinGen allele CA8820346.

ClinVar aggregate classification (germline): Likely benign. Review status: criteria provided, multiple submitters, no conflicts (2 of 4 stars). 2 submissions from 2 submitters: Likely benign (2). Last evaluated 2023-12-13.

Allele frequency attached by ClinVar (database versions not stated): gnomAD 0.00013; gnomAD exomes 0.00014; TOPMed 0.00017; ExAC 0.00039; 1000 Genomes Project 30x 0.00047; 1000 Genomes Project 0.00060.
gnomAD v4.1: 227 of 1,537,050 alleles (0.015%); highest among the groups gnomAD compares: East Asian, 0.029%; no homozygotes.

Submissions (2):

Women's Health and Genetics/Laboratory Corporation of America, LabCorp
Classification: Likely benign. Last evaluated: 2023-12-13. Review status: criteria provided, single submitter. Criteria: LabCorp Variant Classification Summary - May 2015. Collection method: clinical testing. Allele origin: germline.

CeGaT Center for Human Genetics Tuebingen
Classification: Likely benign. Last evaluated: 2022-09-01. Review status: criteria provided, single submitter. Criteria: CeGaT Center For Human Genetics Tuebingen Variant Classification Criteria Version 2. Collection method: clinical testing. Allele origin: germline. Affected: yes. Observed: 1 variant allele.
Comment: RNF213: BP4, BP7